The following is an entry in ClinVar:

ClinVar aggregate classification (germline): Uncertain significance (1 of 4 stars; one submission).

Allele frequency attached by ClinVar (database versions not stated): gnomAD 0.00001.
gnomAD v4.1: 1 of 1,608,408 alleles (0.000062%); highest among the groups gnomAD compares: Non-Finnish European, 0.000085%; no homozygotes.

Submission:

Labcorp Genetics (formerly Invitae), Labcorp
Classification: Uncertain significance. Last evaluated: 2022-07-26. Review status: criteria provided, single submitter. Criteria: Invitae Variant Classification Sherloc (09022015). Collection method: clinical testing. Allele origin: germline.
Comment: In summary, the available evidence is currently insufficient to determine the role of this variant in disease. Therefore, it has been classified as a Variant of Uncertain Significance. Experimental studies and prediction algorithms are not available or were not evaluated, and the functional significance of this variant is currently unknown. This variant has not been reported in the literature in individuals affected with SMARCA2-related conditions. This variant is not present in population databases (gnomAD no frequency). This sequence change creates a premature translational stop signal (p.Gly1584*) in the SMARCA2 gene. While this is not anticipated to result in nonsense mediated decay, it is expected to disrupt the last 7 amino acid(s) of the SMARCA2 protein.

NM_003070.5(SMARCA2):c.4750G>T (p.Gly1584Ter)

Gene: SMARCA2 (SWI/SNF related BAF chromatin remodeling complex subunit ATPase 2; plus strand). Cytogenetic location: 9p24.3.
Variant type: single nucleotide variant.
Coding change: c.4750G>T on transcript NM_003070.5 (MANE Select); coding-DNA position 4750, G replaced by T.
Protein change: p.Gly1584Ter; replaces glycine 1584 with a stop codon.
Molecular consequence: nonsense.
Genome position (GRCh38, 1-based): chr9:2,192,716, G>T. VCF-style: chr9-2192716-G-T. GRCh37 (hg19) VCF-style: chr9-2192716-G-T.
Other names: c.814G>T, p.Gly272Ter (NM_001289400.2); c.4696G>T, p.Gly1566Ter (NM_139045.4); c.4750G>T, p.Gly1584Ter (NM_001289396.2); c.4522G>T, p.Gly1508Ter (NM_001289397.2); c.724G>T, p.Gly242Ter (NM_001289398.2); c.808G>T, p.Gly270Ter (NM_001289399.2); short protein forms G272*, G1566*, G1584*, G270*, G1508*, G242*.
Identifiers: ClinVar variation 2075881 (VCV002075881.4), dbSNP rs887291939, ClinGen allele CA372793232.